The following is an entry in ClinVar:

ClinVar aggregate classification (germline): Pathogenic. Review status: criteria provided, single submitter (1 of 4 stars). 2 submissions from 2 submitters: Pathogenic (1). 1 of the submissions does not count toward it. Last evaluated 2013-04-03.

Conditions:
Primary ciliary dyskinesia 23 (CILD23). Also called: CILIARY DYSKINESIA, PRIMARY, 23, WITH OR WITHOUT SITUS INVERSUS. Identifiers: Orphanet 244, MedGen C3809548, MONDO:0014193, OMIM 615451.

Submissions (2):

Lupski Lab, Baylor-Hopkins CMG, Baylor College of Medicine
Classification: Pathogenic for Primary ciliary dyskinesia 23. Last evaluated: 2013-04-03. Review status: criteria provided, single submitter. Criteria: Hjeij et al. (Am J Hum Genet. 2013). Collection method: research. Allele origin: germline. Inheritance: Autosomal recessive inheritance. Affected: yes. Observed: 1 variant allele, 1 homozygote.
Comment: This homozygous mutation was predicted to be loss-of-function.

OMIM
Classification: Pathogenic for CILIARY DYSKINESIA, PRIMARY, 23. Last evaluated: 2013-08-08. Review status: no assertion criteria provided. Collection method: literature only. Allele origin: germline. Not counted in ClinVar's aggregate classification.

Literature cited by the submitters: PubMed 23849778 (cited by OMIM).

NM_018076.5(ODAD2):c.2712del (p.Ile905fs)

Gene: ODAD2 (outer dynein arm docking complex subunit 2; minus strand). Cytogenetic location: 10p12.1.
Variant type: Deletion.
Coding change: c.2712del on transcript NM_018076.5 (MANE Select); coding-DNA position 2712, one base deleted (C; older notation c.2712delC).
Protein change: p.Ile905fs; shifts the reading frame from isoleucine 905.
Molecular consequence: frameshift variant.
Genome position (GRCh38, 1-based): chr10:27,862,521, G deleted on the plus strand (C on the coding strand, the reverse complement: ODAD2 is on the minus strand); the first of 2 consecutive G bases (chr10:27,862,521-27,862,522); deleting either gives the same sequence. VCF-style (leftmost placement, unchanged base first): chr10-27862520-TG-T. GRCh37 (hg19) VCF-style: chr10-28151449-TG-T.
Other names: c.2712del, p.Ile905fs (NM_001290020.2); c.1287del, p.Ile430fs (NM_001290021.2); c.1788del, p.Ile597fs (NM_001312689.2); short protein forms I597fs, I430fs, I905fs.
Identifiers: ClinVar variation 66046 (VCV000066046.2), dbSNP rs587777048, ClinGen allele CA214698.